The following is an entry in ClinVar:

ClinVar aggregate classification (germline): Uncertain significance. Review status: criteria provided, multiple submitters, no conflicts (2 of 4 stars). 2 submissions from 2 submitters: Uncertain significance (2). Last evaluated 2025-09-27.

Conditions:
Inborn genetic diseases. Identifiers: MedGen C0950123, MeSH D030342.
Developmental and epileptic encephalopathy, 23 (DEE23). Also called: Epileptic encephalopathy, early infantile, 23. Identifiers: Orphanet 411986, MedGen C4014492, MONDO:0014371, OMIM 615859.

Allele frequency attached by ClinVar (database versions not stated): gnomAD exomes below 0.00001 and 0.00003; gnomAD 0.00001; TOPMed 0.00001; ExAC 0.00002.

Submissions (2):

Ambry Genetics
Classification: Uncertain significance for Inborn genetic diseases. Last evaluated: 2025-09-27. Review status: criteria provided, single submitter. Criteria: Ambry Variant Classification Scheme 2023. Collection method: clinical testing. Allele origin: germline.

Labcorp Genetics (formerly Invitae), Labcorp
Classification: Uncertain significance for Developmental and epileptic encephalopathy, 23. Last evaluated: 2018-12-25. Review status: criteria provided, single submitter. Criteria: Invitae Variant Classification Sherloc (09022015). Collection method: clinical testing. Allele origin: germline.
Comment: In summary, the available evidence is currently insufficient to determine the role of this variant in disease. Therefore, it has been classified as a Variant of Uncertain Significance. Algorithms developed to predict the effect of missense changes on protein structure and function (SIFT, PolyPhen-2, Align-GVGD) all suggest that this variant is likely to be tolerated, but these predictions have not been confirmed by published functional studies and their clinical significance is uncertain. This variant has not been reported in the literature in individuals with DOCK7-related conditions. This variant is present in population databases (rs766904797, ExAC 0.01%). This sequence change replaces tyrosine with cysteine at codon 1098 of the DOCK7 protein (p.Tyr1098Cys). The tyrosine residue is moderately conserved and there is a large physicochemical difference between tyrosine and cysteine.

NM_001367561.1(DOCK7):c.3293A>G (p.Tyr1098Cys)

Gene: DOCK7 (dedicator of cytokinesis 7; minus strand). Cytogenetic location: 1p31.3.
Variant type: single nucleotide variant.
Coding change: c.3293A>G on transcript NM_001367561.1 (MANE Select); coding-DNA position 3293, A replaced by G.
Protein change: p.Tyr1098Cys; replaces tyrosine 1098 with cysteine.
Molecular consequence: missense variant.
Genome position (GRCh38, 1-based): chr1:62,539,552, T>C on the plus strand (A>G on the coding strand, the complement: DOCK7 is on the minus strand). VCF-style: chr1-62539552-T-C. GRCh37 (hg19) VCF-style: chr1-63005223-T-C.
Other names: c.3293A>G, p.Tyr1098Cys (NM_001271999.2, NM_001330614.2); c.3200A>G, p.Tyr1067Cys (NM_001272000.2, NM_001272001.2, NM_033407.4); c.3200A>G (NM_033407.2); short protein forms Y1098C, Y1067C.
Identifiers: ClinVar variation 646846 (VCV000646846.10), dbSNP rs766904797, ClinGen allele CA886042.
Genomic context (GRCh38, chr1:62,539,552, plus strand): 5'-CTAACATAGTATTTAAATTATTTGATTACTAATTATTCCTAACTATGCATTACCTGTTTA[T>C]AGCAGGACTTTATAAGGCTAAAAACAAATCCTCTGTCCATAACAGACAACAGATCATTGA-3'
Protein context (NP_001354490.1, residues 1088-1108): GFVFSLIKSC[Tyr1098Cys]KQVSSKLYSL